The following is an entry in ClinVar:

ClinVar aggregate classification (germline): Likely benign (0 of 4 stars; one submission).

Conditions:
PLEKHA5-related disorder. Also called: PLEKHA5-related condition.

Allele frequency attached by ClinVar (database versions not stated): TOPMed below 0.00001; gnomAD 0.00005; gnomAD exomes 0.00007; 1000 Genomes Project 30x 0.00031; 1000 Genomes Project 0.00040; ExAC 0.00042.
gnomAD v4.1: 114 of 1,591,418 alleles (0.0072%); highest among the groups gnomAD compares: South Asian, 0.12%; 1 homozygote.

Submission:

PreventionGenetics, part of Exact Sciences
Classification: Likely benign for PLEKHA5-related condition. Last evaluated: 2023-03-21. Review status: no assertion criteria provided. Collection method: clinical testing. Allele origin: germline.
Comment: This variant is classified as likely benign based on ACMG/AMP sequence variant interpretation guidelines (Richards et al. 2015 PMID: 25741868, with internal and published modifications).

NM_001256470.2(PLEKHA5):c.111C>T (p.Thr37=)

Gene: PLEKHA5 (pleckstrin homology domain containing A5; plus strand). Cytogenetic location: 12p12.3.
Variant type: single nucleotide variant.
Coding change: c.111C>T on transcript NM_001256470.2 (MANE Select); coding-DNA position 111, C replaced by T.
Protein change: p.Thr37=; no amino-acid change (threonine 37 retained).
Molecular consequence: synonymous variant. On other transcripts: non-coding transcript variant (6).
Genome position (GRCh38, 1-based): chr12:19,130,072, C>T. VCF-style: chr12-19130072-C-T. GRCh37 (hg19) VCF-style: chr12-19283006-C-T.
Other names: c.111C>T, p.Thr37= (NM_001143821.3, NM_001190860.3, NM_001385923.1 and 19 more transcripts).
Identifiers: ClinVar variation 3054146 (VCV003054146.2), dbSNP rs567317913, ClinGen allele CA6471932.